The following is an entry in ClinVar:

ClinVar aggregate classification (germline): Uncertain significance. Review status: criteria provided, multiple submitters, no conflicts (2 of 4 stars). 3 submissions from 3 submitters: Uncertain significance (3). Last evaluated 2025-08-31.

Conditions:
Familial cancer of breast. Also called: hereditary breast carcinoma; Hereditary breast cancer; BREAST CANCER, FAMILIAL. Identifiers: Orphanet 227535, MedGen C0346153, MONDO:0016419, OMIM 114480. Disease mechanism: loss of function.
Ataxia-telangiectasia syndrome (AT). Also called: Cerebello-oculocutaneous telangiectasia; Immunodeficiency with ataxia telangiectasia; ATAXIA-TELANGIECTASIA, COMPLEMENTATION GROUP A; ATAXIA-TELANGIECTASIA, FRESNO VARIANT; Ataxia-telangiectasia, complementation group E; LOUIS-BAR SYNDROME. Identifiers: Orphanet 100, MedGen C0004135, MONDO:0008840, OMIM 208900.
Hereditary cancer-predisposing syndrome. Also called: Neoplastic Syndromes, Hereditary; Hereditary Cancer Syndrome; Tumor predisposition; Hereditary neoplastic syndrome. Identifiers: Orphanet 140162, MedGen C0027672, MeSH D009386, MONDO:0015356.

Allele frequency attached by ClinVar (database versions not stated): gnomAD exomes below 0.00001.

Submissions (3):

Ambry Genetics
Classification: Uncertain significance for Hereditary cancer-predisposing syndrome. Last evaluated: 2025-08-31. Review status: criteria provided, single submitter. Criteria: Ambry Variant Classification Scheme 2023. Collection method: clinical testing. Allele origin: germline.
Comment: The p.L752P variant (also known as c.2255T>C), located in coding exon 14 of the ATM gene, results from a T to C substitution at nucleotide position 2255. The leucine at codon 752 is replaced by proline, an amino acid with similar properties. This amino acid position is highly conserved in available vertebrate species. In addition, this alteration is predicted to be deleterious by in silico analysis. Since supporting evidence is limited at this time, the clinical significance of this alteration remains unclear.

Labcorp Genetics (formerly Invitae), Labcorp
Classification: Uncertain significance for Ataxia-telangiectasia syndrome. Last evaluated: 2024-04-29. Review status: criteria provided, single submitter. Criteria: Invitae Variant Classification Sherloc (09022015). Collection method: clinical testing. Allele origin: germline.
Comment: This sequence change replaces leucine, which is neutral and non-polar, with proline, which is neutral and non-polar, at codon 752 of the ATM protein (p.Leu752Pro). This variant is not present in population databases (gnomAD no frequency). This variant has not been reported in the literature in individuals affected with ATM-related conditions. ClinVar contains an entry for this variant (Variation ID: 1513880). An algorithm developed to predict the effect of missense changes on protein structure and function (PolyPhen-2) suggests that this variant is likely to be disruptive. In summary, the available evidence is currently insufficient to determine the role of this variant in disease. Therefore, it has been classified as a Variant of Uncertain Significance.

Baylor Genetics
Classification: Uncertain significance for Familial cancer of breast. Last evaluated: 2023-12-12. Review status: criteria provided, single submitter. Criteria: ACMG Guidelines, 2015. Collection method: clinical testing. Allele origin: unknown.

NM_000051.4(ATM):c.2255T>C (p.Leu752Pro)

Gene: ATM (ATM serine/threonine kinase; plus strand). Cytogenetic location: 11q22.3.
Variant type: single nucleotide variant.
Coding change: c.2255T>C on transcript NM_000051.4 (MANE Select); coding-DNA position 2255, T replaced by C.
Protein change: p.Leu752Pro; replaces leucine 752 with proline.
Molecular consequence: missense variant.
Genome position (GRCh38, 1-based): chr11:108,257,485, T>C. VCF-style: chr11-108257485-T-C. GRCh37 (hg19) VCF-style: chr11-108128212-T-C.
Other names: c.2255T>C, p.Leu752Pro (NM_001351834.2); short protein forms L752P.
Identifiers: ClinVar variation 1513880 (VCV001513880.12), dbSNP rs2135405669, ClinGen allele CA382539524.